The following is an entry in ClinVar:

NM_000289.6(PFKM):c.88A>G (p.Met30Val)

Gene: PFKM (phosphofructokinase, muscle; plus strand). Cytogenetic location: 12q13.11.
Variant type: single nucleotide variant.
Coding change: c.88A>G on transcript NM_000289.6 (MANE Select); coding-DNA position 88, A replaced by G.
Protein change: p.Met30Val; replaces methionine 30 with valine.
Molecular consequence: missense variant. On other transcripts: initiator codon variant (1), non-coding transcript variant (4), intron variant (2).
Genome position (GRCh38, 1-based): chr12:48,130,365, A>G. VCF-style: chr12-48130365-A-G. GRCh37 (hg19) VCF-style: chr12-48524148-A-G.
Other names: c.88A>G, p.Met30Val (NM_001166688.2, NM_001354742.2, NM_001354743.2 and 4 more transcripts); c.397A>G, p.Met133Val (NM_001354735.1, NM_001354736.1); c.301A>G, p.Met101Val (NM_001354737.1, NM_001354738.1, NM_001354739.1 and 1 more transcripts); c.232A>G, p.Met78Val (NM_001354740.1); c.112A>G, p.Met38Val (NM_001354741.2); c.1A>G, p.Met1Val (NM_001354745.2); c.10-951A>G (NM_001354747.2, NM_001354748.2); short protein forms M101V, M133V, M1V, M30V, M38V, M78V.
Identifiers: ClinVar variation 4059708 (VCV004059708.2).
Genomic context (GRCh38, chr12:48,130,365, plus strand): 5'-CCAGGGCGCCTTTTCTTAGGAGCAACCTCTCCGTGACTTCTTTTGTCCCTCCTTTCAGGT[A>G]TGAATGCTGCTGTCAGGGCTGTGGTTCGAGTTGGTATCTTCACCGGTGCCCGTGTCTTCT-3'
Protein context (NP_000280.1, residues 20-40): VLTSGGDAQG[Met30Val]NAAVRAVVRV

ClinVar aggregate classification (germline): Uncertain significance. Review status: criteria provided, single submitter (1 of 4 stars). 2 submissions from 2 submitters: Uncertain significance (1). 1 of the submissions does not count toward it. Last evaluated 2026-01-13.

Conditions:
Glycogen storage disease, type VII (GSD7). Also called: GSD VII; MUSCLE PHOSPHOFRUCTOKINASE DEFICIENCY; PFKM DEFICIENCY; TARUI DISEASE. Identifiers: Orphanet 371, MedGen C0017926, MONDO:0009295, OMIM 232800.

Submissions (2):

Women's Health and Genetics/Laboratory Corporation of America, LabCorp
Classification: Uncertain significance. Last evaluated: 2026-01-13. Review status: criteria provided, single submitter. Criteria: LabCorp Variant Classification Summary - May 2015. Collection method: clinical testing. Allele origin: germline.
Comment: Variant summary: PFKM c.88A>G (p.Met30Val) results in a conservative amino acid change in the encoded protein sequence. Algorithms developed to predict the effect of missense changes on protein structure and function are either unavailable or do not agree on the potential impact of this missense change. Consensus agreement among computation tools predict no significant impact on normal splicing. However, these predictions have yet to be confirmed by functional studies. The variant was absent in 251470 control chromosomes. The available data on variant occurrences in the general population are insufficient to allow any conclusion about variant significance. To our knowledge, no occurrence of c.88A>G in individuals affected with PFKM-related conditions and no experimental evidence demonstrating its impact on protein function have been reported. ClinVar contains an entry for this variant (Variation ID: 4059708). Based on the evidence outlined above, the variant was classified as uncertain significance.

Natera, Inc.
Classification: Uncertain significance for Glycogen storage disease type VII. Last evaluated: 2025-05-13. Review status: no assertion criteria provided. Collection method: clinical testing. Allele origin: germline. Not counted in ClinVar's aggregate classification.